The following is an entry in ClinVar:

ClinVar aggregate classification (germline): Uncertain significance (1 of 4 stars; one submission).

Conditions:
Dystonic disorder. Also called: Dystonia. Identifiers: MedGen C0013421, MONDO:0003441, HP:0001332.

Allele frequency attached by ClinVar (database versions not stated): TOPMed below 0.00001; gnomAD 0.00001.
gnomAD v4.1: 12 of 1,613,572 alleles (0.00074%); highest among the groups gnomAD compares: Non-Finnish European, 0.00085%; no homozygotes.

Submission:

Labcorp Genetics (formerly Invitae), Labcorp
Classification: Uncertain significance for Dystonic disorder. Last evaluated: 2023-05-16. Review status: criteria provided, single submitter. Criteria: Invitae Variant Classification Sherloc (09022015). Collection method: clinical testing. Allele origin: germline.
Comment: In summary, the available evidence is currently insufficient to determine the role of this variant in disease. Therefore, it has been classified as a Variant of Uncertain Significance. Advanced modeling of protein sequence and biophysical properties (such as structural, functional, and spatial information, amino acid conservation, physicochemical variation, residue mobility, and thermodynamic stability) performed at Invitae indicates that this missense variant is not expected to disrupt ANO3 protein function. This variant has not been reported in the literature in individuals affected with ANO3-related conditions. This variant is not present in population databases (gnomAD no frequency). This sequence change replaces threonine, which is neutral and polar, with serine, which is neutral and polar, at codon 71 of the ANO3 protein (p.Thr71Ser).

NM_031418.4(ANO3):c.212C>G (p.Thr71Ser)

Gene: ANO3 (anoctamin 3; plus strand). Cytogenetic location: 11p14.2.
Variant type: single nucleotide variant.
Coding change: c.212C>G on transcript NM_031418.4 (MANE Select); coding-DNA position 212, C replaced by G.
Protein change: p.Thr71Ser; replaces threonine 71 with serine.
Molecular consequence: missense variant.
Genome position (GRCh38, 1-based): chr11:26,442,083, C>G. VCF-style: chr11-26442083-C-G. GRCh37 (hg19) VCF-style: chr11-26463630-C-G.
Other names: c.395C>G, p.Thr132Ser (NM_001313726.2); short protein forms T132S, T71S.
Identifiers: ClinVar variation 2726047 (VCV002726047.3), dbSNP rs1054906025, ClinGen allele CA219763570.